The following is an entry in ClinVar:

NC_000011.9:g.(?_108106377)_(108236235_?)dup

Gene: ATM (ATM serine/threonine kinase; plus strand). Cytogenetic location: 11q22.3.
Variant type: Duplication.
Identifiers: ClinVar variation 2422236 (VCV002422236.2).

ClinVar aggregate classification (germline): Uncertain significance (1 of 4 stars; one submission).

Conditions:
Ataxia-telangiectasia syndrome (AT). Also called: Cerebello-oculocutaneous telangiectasia; Immunodeficiency with ataxia telangiectasia; Ataxia-telangiectasia; AT, COMPLEMENTATION GROUP C; Ataxia telangiectasia (A-T); LOUIS-BAR SYNDROME. Identifiers: Orphanet 100, MedGen C0004135, MONDO:0008840, OMIM 208900.

Submission:

Labcorp Genetics (formerly Invitae), Labcorp
Classification: Uncertain significance for Ataxia-telangiectasia syndrome. Last evaluated: 2022-04-12. Review status: criteria provided, single submitter. Criteria: Invitae Variant Classification Sherloc (09022015). Collection method: clinical testing. Allele origin: germline.
Comment: This variant results in a copy number gain of the genomic region encompassing exon(s) 5-63 of the ATM gene. This region includes the termination codon of the gene. This copy number gain extends beyond the assayed region for this gene and therefore may encompass additional genes. As the precise location of this event is unknown, it may be in tandem or it may be located elsewhere in the genome. This variant has not been reported in the literature in individuals affected with ATM-related conditions. Experimental studies and prediction algorithms are not available or were not evaluated, and the functional significance of this variant is currently unknown. In summary, the available evidence is currently insufficient to determine the role of this variant in disease. Therefore, it has been classified as a Variant of Uncertain Significance.